The following is an entry in ClinVar:

NM_020738.4(KIDINS220):c.4835C>A (p.Ala1612Glu)

Gene: KIDINS220 (kinase D interacting substrate 220; minus strand). Cytogenetic location: 2p25.1.
Variant type: single nucleotide variant.
Coding change: c.4835C>A on transcript NM_020738.4 (MANE Select); coding-DNA position 4835, C replaced by A.
Protein change: p.Ala1612Glu; replaces alanine 1612 with glutamic acid.
Molecular consequence: missense variant. On other transcripts: intron variant (6).
Genome position (GRCh38, 1-based): chr2:8,731,201, G>T on the plus strand (C>A on the coding strand, the complement: KIDINS220 is on the minus strand). VCF-style: chr2-8731201-G-T. GRCh37 (hg19) VCF-style: chr2-8871331-G-T.
Other names: c.4778C>A (NM_001348732.1); c.4835C>A (NM_020738.2); c.4838C>A, p.Ala1613Glu (NM_001348729.2); c.4781C>A, p.Ala1594Glu (NM_001348731.2); c.4778C>A, p.Ala1593Glu (NM_001348732.2); c.4667C>A, p.Ala1556Glu (NM_001348734.2); c.4664C>A, p.Ala1555Glu (NM_001348735.2); c.4538C>A, p.Ala1513Glu (NM_001348736.2); and 3 more; short protein forms A1594E, A1612E, A1613E, A1593E, A1555E, A1556E, A1513E.
Identifiers: ClinVar variation 2146522 (VCV002146522.8), dbSNP rs201737651, ClinGen allele CA1519302.
Genomic context (GRCh38, chr2:8,731,201, plus strand): 5'-AGGCTATGTGGGATTCCCCGCTTTCCGCTGTGACTGTCATCTTCCAGCTCTATGAGATTT[G>T]CCTTTTCAAGCTGGGAGTCATCCGCCACTTCATTGTGCAGAGAGTGATTGGGAGAACTTT-3'
Protein context (NP_065789.1, residues 1602-1622): EVADDSQLEK[Ala1612Glu]NLIELEDDSH

ClinVar aggregate classification (germline): Conflicting classifications of pathogenicity. Review status: criteria provided, conflicting classifications (1 of 4 stars). 4 submissions from 4 submitters: Uncertain significance (3); Likely benign (1). Last evaluated 2025-09-02.

Conditions:
KIDINS220-related disorder. Also called: KIDINS220-related condition.
Spastic paraplegia, intellectual disability, nystagmus, and obesity. Also called: Spastic paraplegia, intellectual disability, nystagmus, and obesity;. Identifiers: Orphanet 521390, MedGen C4284592, MONDO:0015007, OMIM 617296.
Ventriculomegaly and arthrogryposis. Identifiers: MedGen C5561973, MONDO:0859184, OMIM 619501.
Inborn genetic diseases. Identifiers: MedGen C0950123, MeSH D030342.

Allele frequency attached by ClinVar (database versions not stated): 1000 Genomes Project 0.00020; 1000 Genomes Project 30x 0.00031.
gnomAD v4.1: 49 of 1,614,148 alleles (0.003%); highest among the groups gnomAD compares: Admixed American, 0.037%; no homozygotes.

Submissions (4):

PreventionGenetics, part of Exact Sciences
Classification: Uncertain significance for KIDINS220-related condition. Last evaluated: 2025-09-02. Review status: criteria provided, single submitter. Criteria: ACMG Guidelines, 2015. Collection method: clinical testing. Allele origin: germline.
Comment: The KIDINS220 c.4835C>A variant is predicted to result in the amino acid substitution p.Ala1612Glu. To our knowledge, this variant has not been reported in the literature. This variant is reported in 0.049% of alleles in individuals of Latino descent in gnomAD, which is likely too common to be an autosomal dominant cause of disease but may be consistent with recessive disease. At this time, the clinical significance of this variant is uncertain due to the absence of conclusive functional and genetic evidence.

Labcorp Genetics (formerly Invitae), Labcorp
Classification: Uncertain significance. Last evaluated: 2025-08-17. Review status: criteria provided, single submitter. Criteria: Invitae Variant Classification Sherloc (09022015). Collection method: clinical testing. Allele origin: germline.
Comment: This sequence change replaces alanine, which is neutral and non-polar, with glutamic acid, which is acidic and polar, at codon 1612 of the KIDINS220 protein (p.Ala1612Glu). This variant is present in population databases (rs201737651, gnomAD 0.04%). This variant has not been reported in the literature in individuals affected with KIDINS220-related conditions. ClinVar contains an entry for this variant (Variation ID: 2146522). An algorithm developed to predict the effect of missense changes on protein structure and function (PolyPhen-2) suggests that this variant is likely to be tolerated. In summary, the available evidence is currently insufficient to determine the role of this variant in disease. Therefore, it has been classified as a Variant of Uncertain Significance.

New York Genome Center
Classification: Uncertain significance for Spastic paraplegia, intellectual disability, nystagmus, and obesity; Ventriculomegaly and arthrogryposis. Last evaluated: 2022-08-03. Review status: criteria provided, single submitter. Criteria: NYGC Assertion Criteria 2020. Collection method: clinical testing. Allele origin: germline. Observed: 1 heterozygote.

Ambry Genetics
Classification: Likely benign for Inborn genetic diseases. Last evaluated: 2022-04-25. Review status: criteria provided, single submitter. Criteria: Ambry Variant Classification Scheme 2023. Collection method: clinical testing. Allele origin: germline.